The following is an entry in ClinVar:

NM_004526.4(MCM2):c.618C>T (p.His206=)

Gene: MCM2 (minichromosome maintenance complex component 2; plus strand). Cytogenetic location: 3q21.3.
Variant type: single nucleotide variant.
Coding change: c.618C>T on transcript NM_004526.4 (MANE Select); coding-DNA position 618, C replaced by T.
Protein change: p.His206=; no amino-acid change (histidine 206 retained).
Molecular consequence: synonymous variant. On other transcripts: non-coding transcript variant (1).
Genome position (GRCh38, 1-based): chr3:127,605,101, C>T. VCF-style: chr3-127605101-C-T. GRCh37 (hg19) VCF-style: chr3-127323944-C-T.
Other names: c.618C>T (NM_004526.3).
Identifiers: ClinVar variation 1563215 (VCV001563215.10), dbSNP rs755470398, ClinGen allele CA2595644.
Genomic context (GRCh38, chr3:127,605,101, plus strand): 5'-GAGCATGGCGGGCCCCCGGCTGGAGATCCACCACCGCTTCAAGAACTTCCTGCGCACTCA[C>T]GTCGACAGCCACGGCCACAACGTCTTCAAGGAGCGCATCAGCGACATGTGCAAAGGTGTG-3'
Protein context (NP_004517.2, residues 196-216): HHRFKNFLRT[His206=]VDSHGHNVFK

ClinVar aggregate classification (germline): Likely benign. Review status: criteria provided, single submitter (1 of 4 stars). 2 submissions from 2 submitters: Likely benign (1). 1 of the submissions does not count toward it. Last evaluated 2025-11-19.

Conditions:
MCM2-related disorder. Also called: MCM2-related condition.

Allele frequency attached by ClinVar (database versions not stated): TOPMed 0.00006; gnomAD 0.00007 and 0.00006; ExAC 0.00005; gnomAD exomes 0.00005 and 0.00008.
gnomAD v4.1: 128 of 1,613,956 alleles (0.0079%); highest among the groups gnomAD compares: Admixed American, 0.02%; no homozygotes.

Submissions (2):

Labcorp Genetics (formerly Invitae), Labcorp
Classification: Likely benign. Last evaluated: 2025-11-19. Review status: criteria provided, single submitter. Criteria: Invitae Variant Classification Sherloc (09022015). Collection method: clinical testing. Allele origin: germline.

PreventionGenetics, part of Exact Sciences
Classification: Likely benign for MCM2-related condition. Last evaluated: 2022-10-22. Review status: no assertion criteria provided. Collection method: clinical testing. Allele origin: germline. Not counted in ClinVar's aggregate classification.
Comment: This variant is classified as likely benign based on ACMG/AMP sequence variant interpretation guidelines (Richards et al. 2015 PMID: 25741868, with internal and published modifications).